The following is an entry in ClinVar:

ClinVar aggregate classification (germline): Uncertain significance (1 of 4 stars; one submission).

Allele frequency attached by ClinVar (database versions not stated): gnomAD exomes below 0.00001.
gnomAD v4.1: 1 of 1,614,110 alleles (0.000062%); highest among the groups gnomAD compares: Non-Finnish European, 0.000085%; no homozygotes.

Submission:

Labcorp Genetics (formerly Invitae), Labcorp
Classification: Uncertain significance. Last evaluated: 2023-08-24. Review status: criteria provided, single submitter. Criteria: Invitae Variant Classification Sherloc (09022015). Collection method: clinical testing. Allele origin: germline.
Comment: This variant is not present in population databases (gnomAD no frequency). In summary, the available evidence is currently insufficient to determine the role of this variant in disease. Therefore, it has been classified as a Variant of Uncertain Significance. An algorithm developed to predict the effect of missense changes on protein structure and function (PolyPhen-2) suggests that this variant is likely to be disruptive. This variant has not been reported in the literature in individuals affected with ANKZF1-related conditions. This sequence change replaces cysteine, which is neutral and slightly polar, with arginine, which is basic and polar, at codon 180 of the ANKZF1 protein (p.Cys180Arg).

NM_018089.3(ANKZF1):c.538T>C (p.Cys180Arg)

Gene: ANKZF1 (ankyrin repeat and zinc finger peptidyl tRNA hydrolase 1; plus strand). Cytogenetic location: 2q35.
Variant type: single nucleotide variant.
Coding change: c.538T>C on transcript NM_018089.3 (MANE Select); coding-DNA position 538, T replaced by C.
Protein change: p.Cys180Arg; replaces cysteine 180 with arginine.
Molecular consequence: missense variant. On other transcripts: 5 prime UTR variant (1).
Genome position (GRCh38, 1-based): chr2:219,232,663, T>C. VCF-style: chr2-219232663-T-C. GRCh37 (hg19) VCF-style: chr2-220097385-T-C.
Other names: c.-93T>C (NM_001282792.2); c.538T>C, p.Cys180Arg (NM_001042410.2); short protein forms C180R.
Identifiers: ClinVar variation 2872835 (VCV002872835.3), dbSNP rs1951079052, ClinGen allele CA350674146.